The following is an entry in ClinVar:

ClinVar aggregate classification (germline): Conflicting classifications of pathogenicity. Review status: criteria provided, conflicting classifications (1 of 4 stars). 20 submissions from 16 submitters: Uncertain significance (5); Benign (3); Likely benign (8). 4 of the submissions do not count toward it. Last evaluated 2026-06-01.

Conditions:
TTN-related disorder. Also called: TTN-related condition; TTN-related disease; TTN-related disorders.
Cardiovascular phenotype. Identifiers: MedGen CN230736.
Dilated cardiomyopathy 1G (CMD1G). Identifiers: Orphanet 154, MedGen C1858763, MONDO:0011400, OMIM 604145.
Autosomal recessive limb-girdle muscular dystrophy type 2J (LGMDR10). Also called: Limb-girdle muscular dystrophy, type 2J; MUSCULAR DYSTROPHY, LIMB-GIRDLE, AUTOSOMAL RECESSIVE 10. Identifiers: Orphanet 140922, MedGen C1837342, MONDO:0012127, OMIM 608807.
Cardiomyopathy (CMYO). Also called: Cardiomyopathies. Identifiers: Orphanet 167848, MedGen C0878544, MONDO:0004994, HP:0001638. Inheritance: Various modes of inheritance.
Early-onset myopathy with fatal cardiomyopathy (CMYO5). Also called: Salih Myopathy; CONGENITAL MYOPATHY 5 WITH CARDIOMYOPATHY. Identifiers: Orphanet 289377, MedGen C2673677, MONDO:0012714, OMIM 611705. Disease mechanism: loss of function.
Myopathy, myofibrillar, 9, with early respiratory failure (MFM9). Also called: Hereditary myopathy with early respiratory failure; Myopathy, distal, with early respiratory failure, autosomal dominant; EDSTROM MYOPATHY; MYOPATHY, PROXIMAL, WITH EARLY RESPIRATORY MUSCLE INVOLVEMENT. Identifiers: Orphanet 178464, Orphanet 34521, MedGen C1863599, MONDO:0011362, OMIM 603689.
Tibial muscular dystrophy (TMD). Also called: Udd Distal Myopathy – Tibial Muscular Dystrophy; Tibial muscular dystrophy, tardive; UDD MYOPATHY. Identifiers: Orphanet 609, MedGen C1838244, MONDO:0010870, OMIM 600334.

Allele frequency attached by ClinVar (database versions not stated): ExAC 0.00056; gnomAD exomes 0.00058; ESP Exome Variant Server 0.00117; gnomAD 0.00122 and 0.00131; 1000 Genomes Project 0.00160; TOPMed 0.00169; 1000 Genomes Project 30x 0.00172.
gnomAD v4.1: 580 of 1,613,438 alleles (0.036%); highest among the groups gnomAD compares: African/African-American, 0.3%; no homozygotes.

Submissions (20):

CeGaT Center for Human Genetics Tuebingen
Classification: Uncertain significance. Last evaluated: 2026-06-01. Review status: criteria provided, single submitter. Criteria: CeGaT Center For Human Genetics Tuebingen Variant Classification Criteria Version 2. Collection method: clinical testing. Allele origin: germline. Affected: yes. Observed: 7 variant alleles.

Labcorp Genetics (formerly Invitae), Labcorp
Classification: Likely benign for Dilated cardiomyopathy 1G; Autosomal recessive limb-girdle muscular dystrophy type 2J. Last evaluated: 2026-02-03. Review status: criteria provided, single submitter. Criteria: Invitae Variant Classification Sherloc (09022015). Collection method: clinical testing. Allele origin: germline.

Molecular Diagnostic Laboratory for Inherited Cardiovascular Disease, Montreal Heart Institute
Classification: Likely benign. Last evaluated: 2025-04-09. Review status: criteria provided, single submitter. Criteria: ACMG Guidelines, 2015. Collection method: clinical testing. Allele origin: germline. Affected: no.

Mayo Clinic Laboratories, Mayo Clinic
Classification: Likely benign. Last evaluated: 2025-04-08. Review status: criteria provided, single submitter. Criteria: ACMG Guidelines, 2015. Collection method: clinical testing. Allele origin: germline. Observed: 7 variant alleles.
Comment: BS1, BP1

Blueprint Genetics
Classification: Likely benign. Last evaluated: 2024-11-01. Review status: criteria provided, single submitter. Criteria: ACMG Guidelines, 2015. Collection method: clinical testing. Allele origin: germline.

GeneDx
Classification: Likely benign. Last evaluated: 2020-10-06. Review status: criteria provided, single submitter. Criteria: GeneDx Variant Classification Process June 2021. Collection method: clinical testing. Allele origin: germline. Affected: yes.
Comment: This variant is associated with the following publications: (PMID: 27930701, 25163546, 24503780)

Women's Health and Genetics/Laboratory Corporation of America, LabCorp
Classification: Benign. Last evaluated: 2020-09-24. Review status: criteria provided, single submitter. Criteria: LabCorp Variant Classification Summary - May 2015. Collection method: clinical testing. Allele origin: germline.
Comment: Variant summary: TTN c.70109G>C (p.Trp23370Ser) results in a non-conservative amino acid change located in the A-band region of the encoded protein sequence. Five of five in-silico tools predict a damaging effect of the variant on protein function. The variant allele was found at a frequency of 0.00058 in 248500 control chromosomes, predominantly at a frequency of 0.0028 within the African or African-American subpopulation in the gnomAD database. The observed variant frequency within African or African-American control individuals in the gnomAD database is approximately 7-fold of the estimated maximal expected allele frequency for a pathogenic variant in TTN causing Dilated Cardiomyopathy phenotype (0.00039), strongly suggesting that the variant is a benign polymorphism found primarily in populations of African or African-American origin. c.70109G>C has been reported in the literature in individuals affected with Dilated Cardiomyopathy, Sudden Unexplained Death and Catecholaminergic Polymorphic Ventricular Tachycardia (e.g. Pugh_2014, Campuzano_2015, Haas_2015, Sanchez_2016). These reports do not provide unequivocal conclusions about association of the variant with Dilated Cardiomyopathy. To our knowledge, no experimental evidence demonstrating an impact on protein function has been reported. Five ClinVar submitters (evaluation after 2014) cite the variant as benign/likely benign and 3 ClinVar submitters (evaluation after 2014) cite the variant as uncertain significance. Based on the evidence outlined above, the variant was classified as benign.

Ambry Genetics
Classification: Likely benign for Cardiovascular phenotype. Last evaluated: 2018-08-01. Review status: criteria provided, single submitter. Criteria: Ambry Variant Classification Scheme 2023. Collection method: clinical testing. Allele origin: germline.

Illumina Laboratory Services, Illumina
Classification: Benign for Myopathy, myofibrillar, 9, with early respiratory failure. Last evaluated: 2018-01-13. Review status: criteria provided, single submitter. Criteria: ICSL Variant Classification Criteria 13 December 2019. Collection method: clinical testing. Allele origin: germline.
Comment: This variant was observed in the ICSL laboratory as part of a predisposition screen in an ostensibly healthy population. It had not been previously curated by ICSL or reported in the Human Gene Mutation Database (HGMD: prior to June 1st, 2018), and was therefore a candidate for classification through an automated scoring system. Utilizing variant allele frequency, disease prevalence and penetrance estimates, and inheritance mode, an automated score was calculated to assess if this variant is too frequent to cause the disease. Based on the score and internal cut-off values, a variant classified as benign is not then subjected to further curation. The score for this variant resulted in a classification of benign for this disease.

Illumina Laboratory Services, Illumina
Classification: Uncertain significance for Autosomal recessive limb-girdle muscular dystrophy type 2J. Last evaluated: 2018-01-13. Review status: criteria provided, single submitter. Criteria: ICSL Variant Classification Criteria 13 December 2019. Collection method: clinical testing. Allele origin: germline.

Illumina Laboratory Services, Illumina
Classification: Uncertain significance for Early-onset myopathy with fatal cardiomyopathy. Last evaluated: 2018-01-13. Review status: criteria provided, single submitter. Criteria: ICSL Variant Classification Criteria 13 December 2019. Collection method: clinical testing. Allele origin: germline.

Illumina Laboratory Services, Illumina
Classification: Uncertain significance for Dilated cardiomyopathy 1G. Last evaluated: 2018-01-13. Review status: criteria provided, single submitter. Criteria: ICSL Variant Classification Criteria 13 December 2019. Collection method: clinical testing. Allele origin: germline.

Illumina Laboratory Services, Illumina
Classification: Benign for Tibial muscular dystrophy. Last evaluated: 2018-01-13. Review status: criteria provided, single submitter. Criteria: ICSL Variant Classification Criteria 13 December 2019. Collection method: clinical testing. Allele origin: germline.
Comment: the same text as in the submission from Illumina Laboratory Services, Illumina above.

CHEO Genetics Diagnostic Laboratory, Children's Hospital of Eastern Ontario
Classification: Uncertain significance for Cardiomyopathy. Last evaluated: 2016-05-02. Review status: criteria provided, single submitter. Criteria: ACMG Guidelines, 2015. Collection method: clinical testing. Allele origin: germline. Study: Canadian Open Genetics Repository.

Eurofins Ntd Llc (ga)
Classification: Likely benign. Last evaluated: 2015-07-21. Review status: criteria provided, single submitter. Criteria: EGL Classification Definitions 2015. Collection method: clinical testing. Allele origin: germline. Observed: 1 variant allele, 1 heterozygote.

Laboratory for Molecular Medicine, Mass General Brigham Personalized Medicine
Classification: Likely benign. Last evaluated: 2015-04-15. Review status: criteria provided, single submitter. Criteria: LMM Criteria. Collection method: clinical testing. Allele origin: germline. Observed: 4 variant alleles.
Comment: p.Trp233709Ser in exon 275 of TTN: This variant is not expected to have clinical significance because it has been identified in 0.3% (32/9794) of African chromo somes by the Exome Aggregation Consortium (ExAC; dbSNP rs186681106).

PreventionGenetics, part of Exact Sciences
Classification: Likely benign for TTN-related condition. Last evaluated: 2021-04-29. Review status: no assertion criteria provided. Collection method: clinical testing. Allele origin: germline. Not counted in ClinVar's aggregate classification.
Comment: This variant is classified as likely benign based on ACMG/AMP sequence variant interpretation guidelines (Richards et al. 2015 PMID: 25741868, with internal and published modifications).

Clinical Genetics DNA and cytogenetics Diagnostics Lab, Erasmus MC, Erasmus Medical Center
Classification: Likely benign. Review status: no assertion criteria provided. Collection method: clinical testing. Allele origin: germline. Affected: yes. Study: VKGL Data-share Consensus. Not counted in ClinVar's aggregate classification.

Clinical Genetics, Academic Medical Center
Classification: Benign. Review status: no assertion criteria provided. Collection method: clinical testing. Allele origin: germline. Affected: yes. Study: VKGL Data-share Consensus. Not counted in ClinVar's aggregate classification.

Joint Genome Diagnostic Labs from Nijmegen and Maastricht, Radboudumc and MUMC+
Classification: Likely benign. Review status: no assertion criteria provided. Collection method: clinical testing. Allele origin: germline. Affected: yes. Study: VKGL Data-share Consensus. Not counted in ClinVar's aggregate classification.

Literature cited by the submitters: PubMed 25163546 (cited by 3 submitters); PubMed 24503780 (cited by Women's Health and Genetics/Laboratory Corporation of America, LabCorp); PubMed 27930701 (cited by Women's Health and Genetics/Laboratory Corporation of America, LabCorp and Ambry Genetics); PubMed 26516846 (cited by Women's Health and Genetics/Laboratory Corporation of America, LabCorp).

NM_001267550.2(TTN):c.77813G>C (p.Trp25938Ser)

Genes: TTN (titin; minus strand), TTN-AS1 (TTN antisense RNA 1; plus strand). Cytogenetic location: 2q31.2.
Variant type: single nucleotide variant.
Coding change: c.77813G>C on transcript NM_001267550.2 (MANE Select); coding-DNA position 77813, G replaced by C.
Protein change: p.Trp25938Ser; replaces tryptophan 25938 with serine.
Molecular consequence: missense variant.
Genome position (GRCh38, 1-based): chr2:178,568,319, C>G on the plus strand (G>C on the coding strand, the complement: TTN is on the minus strand). VCF-style: chr2-178568319-C-G. GRCh37 (hg19) VCF-style: chr2-179433046-C-G.
Other names: p.W24297S:TGG>TCG; p.Trp24297Ser; c.72890G>C, p.Trp24297Ser (NM_001256850.1); c.70109G>C, p.Trp23370Ser (NM_133378.4); c.50618G>C, p.Trp16873Ser (NM_003319.4); c.50993G>C, p.Trp16998Ser (NM_133432.3); c.51194G>C, p.Trp17065Ser (NM_133437.4); short protein forms W25938S, W23370S, W24297S, W16873S, W16998S, W17065S.
Identifiers: ClinVar variation 47361 (VCV000047361.77), dbSNP rs186681106, ClinGen allele CA140792.